The following is an entry in ClinVar:

NM_018671.5(UNC45A):c.800C>A (p.Ala267Asp)

Gene: UNC45A (unc-45 myosin chaperone A; plus strand). Cytogenetic location: 15q26.1.
Variant type: single nucleotide variant.
Coding change: c.800C>A on transcript NM_018671.5 (MANE Select); coding-DNA position 800, C replaced by A.
Protein change: p.Ala267Asp; replaces alanine 267 with aspartic acid.
Molecular consequence: missense variant.
Genome position (GRCh38, 1-based): chr15:90,942,549, C>A. VCF-style: chr15-90942549-C-A. GRCh37 (hg19) VCF-style: chr15-91485779-C-A.
Other names: c.755C>A, p.Ala252Asp (NM_001039675.2, NM_001323621.2); c.800C>A, p.Ala267Asp (NM_001323619.1); c.365C>A, p.Ala122Asp (NM_001323620.2); short protein forms A122D, A252D, A267D.
Identifiers: ClinVar variation 2113463 (VCV002113463.4), dbSNP rs1382338020, ClinGen allele CA393852574.

ClinVar aggregate classification (germline): Uncertain significance (1 of 4 stars; one submission).

Submission:

Labcorp Genetics (formerly Invitae), Labcorp
Classification: Uncertain significance. Last evaluated: 2022-08-15. Review status: criteria provided, single submitter. Criteria: Invitae Variant Classification Sherloc (09022015). Collection method: clinical testing. Allele origin: germline.
Comment: In summary, the available evidence is currently insufficient to determine the role of this variant in disease. Therefore, it has been classified as a Variant of Uncertain Significance. Algorithms developed to predict the effect of missense changes on protein structure and function are either unavailable or do not agree on the potential impact of this missense change (SIFT: "Not Available"; PolyPhen-2: "Possibly Damaging"; Align-GVGD: "Not Available"). This variant has not been reported in the literature in individuals affected with UNC45A-related conditions. This variant is not present in population databases (gnomAD no frequency). This sequence change replaces alanine, which is neutral and non-polar, with aspartic acid, which is acidic and polar, at codon 267 of the UNC45A protein (p.Ala267Asp).